The following is an entry in ClinVar:

NM_178822.5(IGSF10):c.5723C>T (p.Ala1908Val)

Gene: IGSF10 (immunoglobulin superfamily member 10; minus strand). Cytogenetic location: 3q25.1.
Variant type: single nucleotide variant.
Coding change: c.5723C>T on transcript NM_178822.5 (MANE Select); coding-DNA position 5723, C replaced by T.
Protein change: p.Ala1908Val; replaces alanine 1908 with valine.
Molecular consequence: missense variant.
Genome position (GRCh38, 1-based): chr3:151,443,224, G>A on the plus strand (C>T on the coding strand, the complement: IGSF10 is on the minus strand). VCF-style: chr3-151443224-G-A. GRCh37 (hg19) VCF-style: chr3-151161012-G-A.
Other names: c.5723C>T, p.Ala1908Val (NM_001385060.1, NM_001385061.1, NM_001385062.1 and 1 more transcripts); short protein forms A1908V.
Identifiers: ClinVar variation 3700846 (VCV003700846.2).
Genomic context (GRCh38, chr3:151,443,224, plus strand): 5'-CTTCGCTCCGAACCAGTGGAACTGGTAGCAATGCATTCATAAGTGCCCCTGTCTGAAGAG[G>A]CTAGGTTTCTTATATACAAAGTCCCATTTGAAAATAAGAACAACTTGGAATTGGTAAACT-3'
Protein context (NP_849144.2, residues 1898-1918): SNGTLYIRNL[Ala1908Val]SSDRGTYECI

ClinVar aggregate classification (germline): Uncertain significance (1 of 4 stars; one submission).

gnomAD v4.1: 8 of 1,613,372 alleles (0.0005%); highest among the groups gnomAD compares: Non-Finnish European, 0.00059%; no homozygotes.

Submission:

Labcorp Genetics (formerly Invitae), Labcorp
Classification: Uncertain significance. Last evaluated: 2024-10-21. Review status: criteria provided, single submitter. Criteria: Invitae Variant Classification Sherloc (09022015). Collection method: clinical testing. Allele origin: germline.
Comment: This sequence change replaces alanine, which is neutral and non-polar, with valine, which is neutral and non-polar, at codon 1908 of the IGSF10 protein (p.Ala1908Val). This variant is present in population databases (rs761429521, gnomAD 0.002%). This variant has not been reported in the literature in individuals affected with IGSF10-related conditions. An algorithm developed to predict the effect of missense changes on protein structure and function outputs the following: PolyPhen-2: "Benign". The valine amino acid residue is found in multiple mammalian species, which suggests that this missense change does not adversely affect protein function. Algorithms developed to predict the effect of sequence changes on RNA splicing suggest that this variant may create or strengthen a splice site. In summary, the available evidence is currently insufficient to determine the role of this variant in disease. Therefore, it has been classified as a Variant of Uncertain Significance.